The following is an entry in ClinVar:

ClinVar aggregate classification (germline): Benign/Likely benign. Review status: criteria provided, multiple submitters, no conflicts (2 of 4 stars). 13 submissions from 13 submitters: Benign (8); Likely benign (1). 4 of the submissions do not count toward it. Last evaluated 2026-02-04.

Conditions:
Myopathy, congenital, with structured cores and z-line abnormalities. Also called: MULTIPLE STRUCTURED CORE DISEASE; CONGENITAL MYOPATHY 8. Identifiers: MedGen C5231445, MONDO:0032852, OMIM 618654.
Dilated cardiomyopathy 1AA (CMD1AA). Also called: Cardiomyopathy, dilated, 1AA, with or without LVNC; CARDIOMYOPATHY, DILATED, 1AA, WITH OR WITHOUT LEFT VENTRICULAR NONCOMPACTION; CARDIOMYOPATHY, FAMILIAL HYPERTROPHIC, 23, WITH OR WITHOUT LEFT VENTRICULAR NONCOMPACTION. Identifiers: Orphanet 154, MedGen C2677338, MONDO:0012808, OMIM 612158.
Primary familial hypertrophic cardiomyopathy (HCM). Identifiers: Orphanet 99739, MedGen C0949658, MeSH D024741, MONDO:0024573. Inheritance: Various modes of inheritance.

Allele frequency attached by ClinVar (database versions not stated): 1000 Genomes Project 30x 0.76515; 1000 Genomes Project 0.76757; TOPMed 0.77495; ESP Exome Variant Server 0.77749; gnomAD 0.77884 and 0.77958.
gnomAD v4.1: 1,248,264 of 1,613,424 alleles (77%); highest among the groups gnomAD compares: African/African-American, 78%; 483,263 homozygotes.

Submissions (13):

Labcorp Genetics (formerly Invitae), Labcorp
Classification: Benign for Primary familial hypertrophic cardiomyopathy; Dilated cardiomyopathy 1AA. Last evaluated: 2026-02-04. Review status: criteria provided, single submitter. Criteria: Invitae Variant Classification Sherloc (09022015). Collection method: clinical testing. Allele origin: germline.

Molecular Diagnostic Laboratory for Inherited Cardiovascular Disease, Montreal Heart Institute
Classification: Benign. Last evaluated: 2025-04-09. Review status: criteria provided, single submitter. Criteria: ACMG Guidelines, 2015. Collection method: clinical testing. Allele origin: germline. Affected: no.

Blueprint Genetics
Classification: Benign. Last evaluated: 2024-11-26. Review status: criteria provided, single submitter. Criteria: ACMG Guidelines, 2015. Collection method: clinical testing. Allele origin: germline.

Genome-Nilou Lab
Classification: Benign for Myopathy, congenital, with structured cores and z-line abnormalities. Last evaluated: 2021-07-14. Review status: criteria provided, single submitter. Criteria: ACMG Guidelines, 2015. Collection method: clinical testing. Allele origin: germline. Affected: no.

Mayo Clinic Laboratories, Mayo Clinic
Classification: Benign. Last evaluated: 2014-03-04. Review status: criteria provided, single submitter. Criteria: ACMG Guidelines, 2015. Collection method: clinical testing. Allele origin: germline. Observed: 1,545 variant alleles.

GeneDx
Classification: Benign. Last evaluated: 2013-01-31. Review status: criteria provided, single submitter. Criteria: GeneDx Variant Classification (06012015). Collection method: clinical testing. Allele origin: germline. Affected: yes.
Comment: This variant is considered likely benign or benign based on one or more of the following criteria: it is a conservative change, it occurs at a poorly conserved position in the protein, it is predicted to be benign by multiple in silico algorithms, and/or has population frequency not consistent with disease.

Laboratory for Molecular Medicine, Mass General Brigham Personalized Medicine
Classification: Benign. Last evaluated: 2011-07-20. Review status: criteria provided, single submitter. Criteria: LMM Criteria. Collection method: clinical testing. Allele origin: germline. Observed: 2,623 variant alleles.

Breakthrough Genomics
Classification: Likely benign. Review status: criteria provided, single submitter. Criteria: ACMG Guidelines, 2015. Collection method: not provided. Allele origin: germline. Inheritance: Autosomal dominant inheritance. Affected: yes.

PreventionGenetics, part of Exact Sciences
Classification: Benign. Review status: criteria provided, single submitter. Criteria: ACMG Guidelines, 2015. Collection method: clinical testing. Allele origin: germline.

Clinical Genetics DNA and cytogenetics Diagnostics Lab, Erasmus MC, Erasmus Medical Center
Classification: Benign. Review status: no assertion criteria provided. Collection method: clinical testing. Allele origin: germline. Affected: yes. Study: VKGL Data-share Consensus. Not counted in ClinVar's aggregate classification.

Clinical Genetics, Academic Medical Center
Classification: Benign. Review status: no assertion criteria provided. Collection method: clinical testing. Allele origin: germline. Affected: yes. Study: VKGL Data-share Consensus. Not counted in ClinVar's aggregate classification.

Diagnostic Laboratory, Department of Genetics, University Medical Center Groningen
Classification: Benign for Dilated cardiomyopathy 1AA. Review status: no assertion criteria provided. Collection method: clinical testing. Allele origin: germline. Affected: yes. Study: VKGL Data-share Consensus. Not counted in ClinVar's aggregate classification.

Joint Genome Diagnostic Labs from Nijmegen and Maastricht, Radboudumc and MUMC+
Classification: Benign. Review status: no assertion criteria provided. Collection method: clinical testing. Allele origin: germline. Affected: yes. Study: VKGL Data-share Consensus. Not counted in ClinVar's aggregate classification.

NM_001103.4(ACTN2):c.877-8C>G

Gene: ACTN2 (actinin alpha 2; plus strand). Cytogenetic location: 1q43.
Variant type: single nucleotide variant.
Coding change: c.877-8C>G on transcript NM_001103.4 (MANE Select); 8 bases into the intron before coding-DNA position 877, C replaced by G.
Molecular consequence: intron variant.
Genome position (GRCh38, 1-based): chr1:236,739,294, C>G. VCF-style: chr1-236739294-C-G. GRCh37 (hg19) VCF-style: chr1-236902594-C-G.
Other names: p.?; c.253-8C>G (NM_001278344.2); c.877-8C>G (NM_001278343.2).
Identifiers: ClinVar variation 43950 (VCV000043950.32), dbSNP rs2288601, ClinGen allele CA133223.